The following is an entry in ClinVar:

ClinVar aggregate classification (germline): Likely pathogenic (1 of 4 stars; one submission).

Conditions:
Intellectual developmental disorder, autosomal recessive 66. Also called: Intellectual disability, autosomal recessive 66; Mental retardation, autosomal recessive 66. Identifiers: MedGen C4748732, MONDO:0032605, OMIM 618221.

Submission:

Neuberg Centre For Genomic Medicine, NCGM
Classification: Likely pathogenic for Intellectual developmental disorder, autosomal recessive 66. Last evaluated: 2023-05-20. Review status: criteria provided, single submitter. Criteria: ACMG Guidelines, 2015. Collection method: clinical testing. Allele origin: germline. Inheritance: Autosomal recessive inheritance. Affected: yes.
Comment: The observed frameshift c.527_528del(p.Lys176SerfsTer23) variant in C12orf4 gene has not been reported previously as a pathogenic variant nor a benign variant, to our knowledge. The p.Lys176SerfsTer23 variant is absent in gnomAD Exomes. This variant has not been submitted to the ClinVar database. This variant causes a frameshift starting with codon Lysine 176, changes this amino acid to Serine residue, and creates a premature Stop codon at position 23 of the new reading frame, denoted p.Lys176SerfsTer23. This variant is predicted to cause loss of normal protein function through protein truncation. Loss of function variants have been previously reported to be disease causing. For these reasons, this variant has been classified as Likely Pathogenic. In absence of another reportable variant in C12orf4 gene, the molecular diagnosis is not confirmed.

NM_020374.4(FERRY3):c.527_528del (p.Lys176fs)

Gene: FERRY3 (FERRY endosomal RAB5 effector complex subunit 3; minus strand). Cytogenetic location: 12p13.32.
Variant type: Deletion.
Coding change: c.527_528del on transcript NM_020374.4 (MANE Select); coding-DNA positions 527 to 528, 2 bases deleted (AA; older notation c.527_528delAA).
Protein change: p.Lys176fs; shifts the reading frame from lysine 176.
Molecular consequence: frameshift variant. On other transcripts: 5 prime UTR variant (1), non-coding transcript variant (3).
Genome position (GRCh38, 1-based): chr12:4,525,562-4,525,563, TT deleted on the plus strand (AA on the coding strand, the reverse complement: FERRY3 is on the minus strand); deleting any 2 consecutive bases within chr12:4,525,562-4,525,566 gives the same sequence; the c. name uses the placement nearest the transcript's 3' end. VCF-style (leftmost placement, unchanged base first): chr12-4525561-CTT-C. GRCh37 (hg19) VCF-style: chr12-4634727-CTT-C.
Other names: c.527_528del, p.Lys176fs (NM_001304811.2, NM_001346153.2, NM_001346155.2); c.8_9del, p.Lys3fs (NM_001346156.2, NM_001346157.2); c.-219_-218del (NM_001352962.2); short protein forms K176fs, K3fs.
Identifiers: ClinVar variation 3367098 (VCV003367098.1).